The following is an entry in ClinVar:

ClinVar aggregate classification (germline): Conflicting classifications of pathogenicity. Review status: criteria provided, conflicting classifications (1 of 4 stars). 3 submissions from 3 submitters: Uncertain significance (2); Likely benign (1). Last evaluated 2026-06-16.

Conditions:
Cardiovascular phenotype. Identifiers: MedGen CN230736.
Hereditary cancer-predisposing syndrome. Also called: Hereditary Cancer Syndrome; Tumor predisposition; Hereditary neoplastic syndrome; Neoplastic Syndromes, Hereditary. Identifiers: Orphanet 140162, MedGen C0027672, MeSH D009386, MONDO:0015356.
Neurofibromatosis, type 1 (NF1). Also called: Peripheral type neurofibromatosis; Neurofibromatosis, type I; VON RECKLINGHAUSEN DISEASE; NEUROFIBROMATOSIS, TYPE I, SOMATIC. Identifiers: Orphanet 636, MedGen C0027831, MONDO:0018975, OMIM 162200. Disease mechanism: loss of function.

Allele frequency attached by ClinVar (database versions not stated): gnomAD exomes below 0.00001; TOPMed below 0.00001; gnomAD 0.00001.
gnomAD v4.1: 2 of 1,613,572 alleles (0.00012%); highest among the groups gnomAD compares: Non-Finnish European, 0.00017%; no homozygotes.

Submissions (3):

Ambry Genetics
Classification: Likely benign for Cardiovascular phenotype; Hereditary cancer-predisposing syndrome. Last evaluated: 2026-06-16. Review status: criteria provided, single submitter. Criteria: Ambry Variant Classification Scheme 2023. Collection method: clinical testing. Allele origin: germline.

Labcorp Genetics (formerly Invitae), Labcorp
Classification: Uncertain significance for Neurofibromatosis, type 1. Last evaluated: 2024-06-12. Review status: criteria provided, single submitter. Criteria: Invitae Variant Classification Sherloc (09022015). Collection method: clinical testing. Allele origin: germline.
Comment: This sequence change replaces threonine, which is neutral and polar, with isoleucine, which is neutral and non-polar, at codon 774 of the NF1 protein (p.Thr774Ile). This variant is not present in population databases (gnomAD no frequency). This variant has not been reported in the literature in individuals affected with NF1-related conditions. ClinVar contains an entry for this variant (Variation ID: 527550). Advanced modeling of protein sequence and biophysical properties (such as structural, functional, and spatial information, amino acid conservation, physicochemical variation, residue mobility, and thermodynamic stability) performed at Invitae indicates that this missense variant is not expected to disrupt NF1 protein function with a negative predictive value of 95%. In summary, the available evidence is currently insufficient to determine the role of this variant in disease. Therefore, it has been classified as a Variant of Uncertain Significance.

GeneDx
Classification: Uncertain significance. Last evaluated: 2022-08-17. Review status: criteria provided, single submitter. Criteria: GeneDx Variant Classification Process June 2021. Collection method: clinical testing. Allele origin: germline. Affected: yes.
Comment: Not observed at significant frequency in large population cohorts (gnomAD); In silico analysis supports that this missense variant does not alter protein structure/function; Has not been previously published as pathogenic or benign to our knowledge; This variant is associated with the following publications: (PMID: 25486365)

NM_001042492.3(NF1):c.2321C>T (p.Thr774Ile)

Gene: NF1 (neurofibromin 1; plus strand). Cytogenetic location: 17q11.2.
Variant type: single nucleotide variant.
Coding change: c.2321C>T on transcript NM_001042492.3 (MANE Select); coding-DNA position 2321, C replaced by T.
Protein change: p.Thr774Ile; replaces threonine 774 with isoleucine.
Molecular consequence: missense variant.
Genome position (GRCh38, 1-based): chr17:31,227,287, C>T. VCF-style: chr17-31227287-C-T. GRCh37 (hg19) VCF-style: chr17-29554305-C-T.
Other names: c.2321C>T, p.Thr774Ile (NM_000267.4); short protein forms T774I.
Identifiers: ClinVar variation 527550 (VCV000527550.13), dbSNP rs917302286, ClinGen allele CA289335308.
Genomic context (GRCh38, chr17:31,227,287, plus strand): 5'-CACTTCAGAAAAGAGTGATGGCACTGCTGAGGCGCATTGAGCATCCCACTGCAGGAAACA[C>T]TGAGGTATGCCCTTAGCAACAGAAACACCCCTCCCAGGCGCCCACCCTCAATTTGGAAGC-3'
Protein context (NP_001035957.1, residues 764-784): RRIEHPTAGN[Thr774Ile]EAWEDTHAKW